The following is an entry in ClinVar:

NM_020921.4(NIN):c.2902C>T (p.Arg968Trp)

Gene: NIN (ninein; minus strand). Cytogenetic location: 14q22.1.
Variant type: single nucleotide variant.
Coding change: c.2902C>T on transcript NM_020921.4 (MANE Select); coding-DNA position 2902, C replaced by T.
Protein change: p.Arg968Trp; replaces arginine 968 with tryptophan.
Molecular consequence: missense variant. On other transcripts: intron variant (1).
Genome position (GRCh38, 1-based): chr14:50,758,128, G>A on the plus strand (C>T on the coding strand, the complement: NIN is on the minus strand). VCF-style: chr14-50758128-G-A. GRCh37 (hg19) VCF-style: chr14-51224846-G-A.
Other names: c.2902C>T, p.Arg968Trp (NM_182944.3, NM_182946.2); c.2399+1729C>T (NM_016350.5); short protein forms R968W.
Identifiers: ClinVar variation 1950445 (VCV001950445.5), dbSNP rs766219363, ClinGen allele CA260829431.

ClinVar aggregate classification (germline): Uncertain significance (1 of 4 stars; one submission).

Allele frequency attached by ClinVar (database versions not stated): TOPMed below 0.00001; gnomAD 0.00001.
gnomAD v4.1: 10 of 1,613,972 alleles (0.00062%); highest among the groups gnomAD compares: South Asian, 0.0011%; no homozygotes.

Submission:

Labcorp Genetics (formerly Invitae), Labcorp
Classification: Uncertain significance. Last evaluated: 2022-08-19. Review status: criteria provided, single submitter. Criteria: Invitae Variant Classification Sherloc (09022015). Collection method: clinical testing. Allele origin: germline.
Comment: In summary, the available evidence is currently insufficient to determine the role of this variant in disease. Therefore, it has been classified as a Variant of Uncertain Significance. Algorithms developed to predict the effect of missense changes on protein structure and function output the following: SIFT: "Deleterious"; PolyPhen-2: "Benign"; Align-GVGD: "Class C15". The tryptophan amino acid residue is found in multiple mammalian species, which suggests that this missense change does not adversely affect protein function. This variant has not been reported in the literature in individuals affected with NIN-related conditions. This variant is present in population databases (rs766219363, gnomAD 0.003%). This sequence change replaces arginine, which is basic and polar, with tryptophan, which is neutral and slightly polar, at codon 968 of the NIN protein (p.Arg968Trp).